The following is an entry in ClinVar:

ClinVar aggregate classification (germline): Likely benign. Review status: criteria provided, multiple submitters, no conflicts (2 of 4 stars). 2 submissions from 2 submitters: Likely benign (2). Last evaluated 2026-02-17.

Conditions:
COL4A3-related disorder. Also called: COL4A3-related condition; COL4A3-Related Disorders.

Submissions (2):

PreventionGenetics, part of Exact Sciences
Classification: Likely benign for COL4A3-related condition. Last evaluated: 2026-02-17. Review status: criteria provided, single submitter. Criteria: ACMG Guidelines, 2015. Collection method: clinical testing. Allele origin: germline.
Comment: This variant is classified as likely benign based on ACMG/AMP sequence variant interpretation guidelines (Richards et al. 2015 PMID: 25741868, with internal and published modifications).

Labcorp Genetics (formerly Invitae), Labcorp
Classification: Likely benign. Last evaluated: 2026-01-14. Review status: criteria provided, single submitter. Criteria: Invitae Variant Classification Sherloc (09022015). Collection method: clinical testing. Allele origin: germline.

NM_000091.5(COL4A3):c.3956-8_3956-5del

Genes: COL4A3 (collagen type IV alpha 3 chain; plus strand), MFF-DT (MFF divergent transcript; minus strand). Cytogenetic location: 2q36.3.
Variant type: Microsatellite.
Coding change: c.3956-8_3956-5del on transcript NM_000091.5 (MANE Select); 8 bases into the intron before coding-DNA position 3956 through 5 bases into the intron before coding-DNA position 3956, 4 bases deleted (GTTT; older notation c.3956-8_3956-5delGTTT).
Molecular consequence: intron variant.
Genome position (GRCh38, 1-based): chr2:227,303,851-227,303,854, GTTT deleted; deleting any 4 consecutive bases within chr2:227,303,844-227,303,854 gives the same sequence; the c. name uses the placement nearest the transcript's 3' end. VCF-style (leftmost placement, unchanged base first): chr2-227303843-CTTTG-C. GRCh37 (hg19) VCF-style: chr2-228168559-CTTTG-C.
Identifiers: ClinVar variation 334779 (VCV000334779.13), dbSNP rs779522146, ClinGen allele CA2147407.